The following is an entry in ClinVar:

NM_002691.4(POLD1):c.463+1G>A

Gene: POLD1 (DNA polymerase delta 1, catalytic subunit; plus strand). Cytogenetic location: 19q13.33.
Variant type: single nucleotide variant.
Coding change: c.463+1G>A on transcript NM_002691.4 (MANE Select); the canonical splice donor site of the intron after coding-DNA position 463, G replaced by A.
Molecular consequence: splice donor variant.
Genome position (GRCh38, 1-based): chr19:50,401,925, G>A. VCF-style: chr19-50401925-G-A. GRCh37 (hg19) VCF-style: chr19-50905182-G-A.
Other names: c.463+1G>A (NM_001256849.1, NM_001308632.1).
Identifiers: ClinVar variation 2021702 (VCV002021702.5), dbSNP rs2513956956, ClinGen allele CA406972807.
Genomic context (GRCh38, chr19:50,401,925, plus strand): 5'-TCTCTGTCTGCTGCCACATCCACGGCTTCGCTCCCTACTTCTACACCCCAGCGCCCCCTG[G>A]TGAGTGGCCCCTACCCAGCCCCTCCCTGAGCCACTGGAGCCCCCTGCACCTCTGATCATC-3'

ClinVar aggregate classification (germline): Uncertain significance. Review status: criteria provided, multiple submitters, no conflicts (2 of 4 stars). 2 submissions from 2 submitters: Uncertain significance (2). Last evaluated 2022-10-14.

Conditions:
POLD1-related polyposis and colorectal cancer syndrome (CRCS10). Also called: Colorectal cancer 10; COLORECTAL CANCER, SUSCEPTIBILITY TO, ON CHROMOSOME 19q; Colorectal cancer, susceptibility to, 10. Identifiers: Orphanet 220460, MedGen C2675481, MONDO:0012953, OMIM 612591.

Submissions (2):

Institute for Genomic Medicine (IGM) Clinical Laboratory, Nationwide Children's Hospital
Classification: Uncertain significance for POLD1-related polyposis and colorectal cancer syndrome. Last evaluated: 2022-10-14. Review status: criteria provided, single submitter. Criteria: ACMG Guidelines, 2015. Collection method: clinical testing. Allele origin: germline.
Comment: This variant is absent from or present at an exceedingly low frequency in gnomAD, a large-scale control population database (ACMG/AMP: PM2).

Labcorp Genetics (formerly Invitae), Labcorp
Classification: Uncertain significance for POLD1-related polyposis and colorectal cancer syndrome. Last evaluated: 2022-08-05. Review status: criteria provided, single submitter. Criteria: Invitae Variant Classification Sherloc (09022015). Collection method: clinical testing. Allele origin: germline.
Comment: In summary, the available evidence is currently insufficient to determine the role of this variant in disease. Therefore, it has been classified as a Variant of Uncertain Significance. Algorithms developed to predict the effect of sequence changes on RNA splicing suggest that this variant may disrupt the consensus splice site. This variant has not been reported in the literature in individuals affected with POLD1-related conditions. This variant is not present in population databases (gnomAD no frequency). This sequence change affects a donor splice site in intron 4 of the POLD1 gene. Missense variants that disrupt the 3'-5' exonuclease (proof-reading) activity of the POLD1 protein are associated with an increased risk for colonic adenomatous polyps and colon cancer (PMID: 23263490, 23447401). However, loss-of-function variants that result in an absent or severely disrupted POLD1 protein, and missense variants outside the exonuclease domain, are unlikely to be associated with polyposis or colon cancer.

Literature cited by the submitters: PubMed 23263490 (cited by Labcorp Genetics (formerly Invitae), Labcorp); PubMed 23447401 (cited by Labcorp Genetics (formerly Invitae), Labcorp).